The following is an entry in ClinVar:

ClinVar aggregate classification (germline): Uncertain significance (1 of 4 stars; one submission).

Conditions:
Infantile spasms. Also called: Infantile spasm. Identifiers: MedGen C3887898, HP:0012469.

Allele frequency attached by ClinVar (database versions not stated): ExAC 0.00001; gnomAD 0.00001; TOPMed 0.00001; gnomAD exomes 0.00003.
gnomAD v4.1: 38 of 1,607,582 alleles (0.0024%); highest among the groups gnomAD compares: Non-Finnish European, 0.0032%; no homozygotes.

Submission:

Labcorp Genetics (formerly Invitae), Labcorp
Classification: Uncertain significance for Infantile spasms. Last evaluated: 2022-09-08. Review status: criteria provided, single submitter. Criteria: Invitae Variant Classification Sherloc (09022015). Collection method: clinical testing. Allele origin: germline.
Comment: Algorithms developed to predict the effect of missense changes on protein structure and function are either unavailable or do not agree on the potential impact of this missense change (SIFT: "Tolerated"; PolyPhen-2: "Probably Damaging"; Align-GVGD: "Class C0"). In summary, the available evidence is currently insufficient to determine the role of this variant in disease. Therefore, it has been classified as a Variant of Uncertain Significance. Algorithms developed to predict the effect of sequence changes on RNA splicing suggest that this variant may create or strengthen a splice site. This variant has not been reported in the literature in individuals affected with PIK3AP1-related conditions. This variant is present in population databases (rs766343558, gnomAD 0.003%). This sequence change replaces glutamic acid, which is acidic and polar, with lysine, which is basic and polar, at codon 393 of the PIK3AP1 protein (p.Glu393Lys).

NM_152309.3(PIK3AP1):c.1177G>A (p.Glu393Lys)

Gene: PIK3AP1 (phosphoinositide-3-kinase adaptor protein 1; minus strand). Cytogenetic location: 10q24.1.
Variant type: single nucleotide variant.
Coding change: c.1177G>A on transcript NM_152309.3 (MANE Select); coding-DNA position 1177, G replaced by A.
Protein change: p.Glu393Lys; replaces glutamic acid 393 with lysine.
Molecular consequence: missense variant.
Genome position (GRCh38, 1-based): chr10:96,648,667, C>T on the plus strand (G>A on the coding strand, the complement: PIK3AP1 is on the minus strand). VCF-style: chr10-96648667-C-T. GRCh37 (hg19) VCF-style: chr10-98408424-C-T.
Other names: short protein forms E393K.
Identifiers: ClinVar variation 2192697 (VCV002192697.4), dbSNP rs766343558, ClinGen allele CA5626358.